The following is an entry in ClinVar:

NM_001184.4(ATR):c.4291A>G (p.Arg1431Gly)

Gene: ATR (ATR checkpoint kinase; minus strand). Cytogenetic location: 3q23.
Variant type: single nucleotide variant.
Coding change: c.4291A>G on transcript NM_001184.4 (MANE Select); coding-DNA position 4291, A replaced by G.
Protein change: p.Arg1431Gly; replaces arginine 1431 with glycine.
Molecular consequence: missense variant.
Genome position (GRCh38, 1-based): chr3:142,519,760, T>C on the plus strand (A>G on the coding strand, the complement: ATR is on the minus strand). VCF-style: chr3-142519760-T-C. GRCh37 (hg19) VCF-style: chr3-142238602-T-C.
Other names: c.4099A>G, p.Arg1367Gly (NM_001354579.2); short protein forms R1367G, R1431G.
Identifiers: ClinVar variation 1739444 (VCV001739444.2), dbSNP rs2473245287, ClinGen allele CA354800377.

ClinVar aggregate classification (germline): Uncertain significance (1 of 4 stars; one submission).

Conditions:
Inborn genetic diseases. Identifiers: MedGen C0950123, MeSH D030342.

Allele frequency attached by ClinVar (database versions not stated): gnomAD exomes below 0.00001.
gnomAD v4.1: 1 of 1,613,532 alleles (0.000062%); highest among the groups gnomAD compares: South Asian, 0.0011%; no homozygotes.

Submission:

Ambry Genetics
Classification: Uncertain significance for Inborn genetic diseases. Last evaluated: 2022-05-01. Review status: criteria provided, single submitter. Criteria: Ambry Variant Classification Scheme 2023. Collection method: clinical testing. Allele origin: germline.
Comment: The p.R1431G variant (also known as c.4291A>G), located in coding exon 24 of the ATR gene, results from an A to G substitution at nucleotide position 4291. The arginine at codon 1431 is replaced by glycine, an amino acid with dissimilar properties. This amino acid position is conserved. In addition, this alteration is predicted to be tolerated by in silico analysis. Since supporting evidence is limited at this time, the clinical significance of this alteration remains unclear.